The following is an entry in ClinVar:

NM_000069.3(CACNA1S):c.896A>T (p.Tyr299Phe)

Gene: CACNA1S (calcium voltage-gated channel subunit alpha1 S; minus strand). Cytogenetic location: 1q32.1.
Variant type: single nucleotide variant.
Coding change: c.896A>T on transcript NM_000069.3 (MANE Select); coding-DNA position 896, A replaced by T.
Protein change: p.Tyr299Phe; replaces tyrosine 299 with phenylalanine.
Molecular consequence: missense variant.
Genome position (GRCh38, 1-based): chr1:201,089,262, T>A on the plus strand (A>T on the coding strand, the complement: CACNA1S is on the minus strand). VCF-style: chr1-201089262-T-A. GRCh37 (hg19) VCF-style: chr1-201058390-T-A.
Other names: short protein forms Y299F.
Identifiers: ClinVar variation 651603 (VCV000651603.10), dbSNP rs980556708, ClinGen allele CA35993676.
Genomic context (GRCh38, chr1:201,089,262, plus strand): 5'-CCTTGCAAGCCTGTGGATGAAGGGAGATGGTTCTGCAGGCGCGGGCCCAGACCCACCCAG[T>A]AAAGGACGTCAGTCCATCCCTCCATGGTAATGCACTGGTACACGGTGAGCATGGAGAAGC-3'
Protein context (NP_000060.2, residues 289-309): ITMEGWTDVL[Tyr299Phe]WVNDAIGNEW

ClinVar aggregate classification (germline): Uncertain significance. Review status: criteria provided, multiple submitters, no conflicts (2 of 4 stars). 2 submissions from 2 submitters: Uncertain significance (2). Last evaluated 2024-07-16.

Conditions:
Malignant hyperthermia, susceptibility to, 5 (MHS5). Also called: CACNA1S-Related Malignant Hyperthermia Susceptibility. Identifiers: Orphanet 423, MedGen C1866077, MONDO:0011163, OMIM 601887.
Hypokalemic periodic paralysis, type 1. Also called: Hypokalemic Periodic Paralysis Type 1 (AD); HypoPP. Identifiers: Orphanet 681, MedGen C3714580, MONDO:0042979, OMIM 170400.

Allele frequency attached by ClinVar (database versions not stated): gnomAD 0.00001 and 0.00002; TOPMed 0.00002.
gnomAD v4.1: 3 of 1,614,024 alleles (0.00019%); highest among the groups gnomAD compares: Non-Finnish European, 0.00025%; no homozygotes.

Submissions (2):

Color Diagnostics, LLC DBA Color Health
Classification: Uncertain significance for Malignant hyperthermia, susceptibility to, 5. Last evaluated: 2024-07-16. Review status: criteria provided, single submitter. Criteria: ACMG Guidelines, 2015. Collection method: clinical testing. Allele origin: germline.
Comment: This missense variant replaces tyrosine with phenylalanine at codon 299 of the CACNA1S protein. Computational prediction suggests that this variant may have deleterious impact on protein structure and function (internally defined REVEL score threshold >= 0.7, PMID: 27666373). To our knowledge, functional studies have not been reported for this variant. This variant has not been reported in individuals affected with CACNA1S-related disorders in the literature. This variant has been identified in 1/31392 chromosomes in the general population by the Genome Aggregation Database (gnomAD). The available evidence is insufficient to determine the role of this variant in disease conclusively. Therefore, this variant is classified as a Variant of Uncertain Significance.

Labcorp Genetics (formerly Invitae), Labcorp
Classification: Uncertain significance for Hypokalemic periodic paralysis, type 1; Malignant hyperthermia, susceptibility to, 5. Last evaluated: 2022-07-06. Review status: criteria provided, single submitter. Criteria: Invitae Variant Classification Sherloc (09022015). Collection method: clinical testing. Allele origin: germline.
Comment: This sequence change replaces tyrosine, which is neutral and polar, with phenylalanine, which is neutral and non-polar, at codon 299 of the CACNA1S protein (p.Tyr299Phe). In summary, the available evidence is currently insufficient to determine the role of this variant in disease. Therefore, it has been classified as a Variant of Uncertain Significance. This variant is present in population databases (no rsID available, gnomAD 0.007%). This variant has not been reported in the literature in individuals affected with CACNA1S-related conditions. ClinVar contains an entry for this variant (Variation ID: 651603). Algorithms developed to predict the effect of missense changes on protein structure and function are either unavailable or do not agree on the potential impact of this missense change (SIFT: "Deleterious"; PolyPhen-2: "Probably Damaging"; Align-GVGD: "Class C0").